The following is an entry in ClinVar:

NM_003119.4(SPG7):c.1904C>T (p.Ser635Leu)

Gene: SPG7 (SPG7 matrix AAA peptidase subunit, paraplegin; plus strand). Cytogenetic location: 16q24.3.
Variant type: single nucleotide variant.
Coding change: c.1904C>T on transcript NM_003119.4 (MANE Select); coding-DNA position 1904, C replaced by T.
Protein change: p.Ser635Leu; replaces serine 635 with leucine.
Molecular consequence: missense variant.
Genome position (GRCh38, 1-based): chr16:89,553,103, C>T. VCF-style: chr16-89553103-C-T. GRCh37 (hg19) VCF-style: chr16-89619511-C-T.
Other names: c.1904C>T, p.Ser635Leu (NM_001363850.1); short protein forms S635L.
Identifiers: ClinVar variation 220393 (VCV000220393.23), dbSNP rs864622507, ClinGen allele CA350356.

ClinVar aggregate classification (germline): Conflicting classifications of pathogenicity. Review status: criteria provided, conflicting classifications (1 of 4 stars). 9 submissions from 9 submitters: Pathogenic (3); Likely pathogenic (3); Uncertain significance (3). Last evaluated 2026-06-09.

Conditions:
SPG7-related disorder. Also called: SPG7-related condition.
Hereditary spastic paraplegia 7 (SPG7). Also called: Spastic paraplegia 7; Hereditary spastic paraplegia Paraplegin type; Autosomal recessive spastic paraplegia type 7; SPASTIC PARAPLEGIA 7, AUTOSOMAL RECESSIVE, WITH OR WITHOUT CEREBELLAR ATAXIA; SPG7-related neurologic disorder. Identifiers: Orphanet 99013, MedGen C1846564, MONDO:0011803, OMIM 607259.

Allele frequency attached by ClinVar (database versions not stated): TOPMed below 0.00001; gnomAD exomes 0.00001.
gnomAD v4.1: 13 of 1,612,366 alleles (0.00081%); highest among the groups gnomAD compares: Admixed American, 0.0017%; no homozygotes.

Submissions (9):

Victorian Clinical Genetics Services, Murdoch Childrens Research Institute
Classification: Pathogenic for Hereditary spastic paraplegia 7. Last evaluated: 2026-06-09. Review status: criteria provided, single submitter. Criteria: ACMG Guidelines, 2015. Collection method: clinical testing. Allele origin: germline. Affected: yes.
Comment: This variant is classified as Pathogenic. Evidence in support of pathogenic classification: Variant is present in gnomAD <0.01 (v4: 13 heterozygote(s), 0 homozygote(s)); This variant has strong previous evidence of pathogenicity in unrelated individuals. This variant has been classified as pathogenic, likely pathogenic and VUS by multiple clinical laboratories and reported in multiple individuals, homozygous and compound heterozygous, with hereditary spastic paraplegia (PMIDs: 16534102, 32002796, 29915382, 30533525, 38374194). Additional information: Variant is predicted to result in a missense amino acid change from Ser to Leu; This variant is heterozygous; This gene is associated with both recessive and dominant disease. This gene is associated with autosomal recessive spastic paraplegia 7 and autosomal dominant optic atrophy (PMIDs: 31854126, 32548275); Alternative amino acid change(s) at the same position are present in gnomAD (highest allele count: v4: 1 heterozygote(s), 0 homozygote(s)); No comparable missense variants have previous evidence for pathogenicity; Variant is located in the annotated peptidase family M41 domain (DECIPHER); Missense variant with inconclusive in silico prediction and/or uninformative conservation; Loss of function is a known mechanism of disease in this gene and is associated with spastic paraplegia 7 (MIM#607259) and optic atrophy (MONDO:0003608), SPG7-related; Heterozygous variant detected in trans with a second PATHOGENIC heterozygous variant (NM_003119.4(SPG7):c.1454_1462del; p.(Arg485_Glu487del)) in a recessive disease.

PreventionGenetics, part of Exact Sciences
Classification: Likely pathogenic for SPG7-related condition. Last evaluated: 2025-12-12. Review status: criteria provided, single submitter. Criteria: ACMG Guidelines, 2015. Collection method: clinical testing. Allele origin: germline.
Comment: The SPG7 c.1904C>T variant is predicted to result in the amino acid substitution p.Ser635Leu. This variant has been reported with another SPG7 variant in multiple unrelated individuals with hereditary spastic paraplegia (HSP) and cerebellar ataxia (Elleuch et al. 2006. PubMed ID: 16534102; Hewamadduma et al. 2018. PubMed ID: 30533525; Sun et al. 2018. PubMed ID: 29915382). This variant has also been documented in the homozygous state in three affected individuals, including two affected siblings and segregation analysis revealed that both unaffected parents were heterozygous carriers for this variant (Mao et al. 2020. PubMed ID: 32002796; Supplementary Table 2, Abolhassani et al. 2024. PubMed ID: 38374194). This variant has not been reported in a large population database, indicating this variant is rare. This variant is interpreted as likely pathogenic.

GeneDx
Classification: Uncertain significance. Last evaluated: 2024-08-30. Review status: criteria provided, single submitter. Criteria: GeneDx Variant Classification Process June 2021. Collection method: clinical testing. Allele origin: germline. Affected: yes.
Comment: Not observed at significant frequency in large population cohorts (gnomAD); In silico analysis indicates that this missense variant does not alter protein structure/function; This variant is associated with the following publications: (PMID: 16534102, 28294470, 30533525, 32002796, 38374194, 22571692, 29915382)

Labcorp Genetics (formerly Invitae), Labcorp
Classification: Pathogenic for Hereditary spastic paraplegia 7. Last evaluated: 2022-08-31. Review status: criteria provided, single submitter. Criteria: Invitae Variant Classification Sherloc (09022015). Collection method: clinical testing. Allele origin: germline.
Comment: This sequence change replaces serine, which is neutral and polar, with leucine, which is neutral and non-polar, at codon 635 of the SPG7 protein (p.Ser635Leu). This variant is not present in population databases (gnomAD no frequency). This missense change has been observed in individuals with hereditary spastic paraplegia (PMID: 16534102, 29915382, 30533525, 32002796; Invitae). It has also been observed to segregate with disease in related individuals. ClinVar contains an entry for this variant (Variation ID: 220393). Algorithms developed to predict the effect of missense changes on protein structure and function are either unavailable or do not agree on the potential impact of this missense change (SIFT: "Deleterious"; PolyPhen-2: "Benign"; Align-GVGD: "Class C15"). For these reasons, this variant has been classified as Pathogenic.

Women's Health and Genetics/Laboratory Corporation of America, LabCorp
Classification: Pathogenic for Hereditary spastic paraplegia 7. Last evaluated: 2021-12-03. Review status: criteria provided, single submitter. Criteria: LabCorp Variant Classification Summary - May 2015. Collection method: clinical testing. Allele origin: germline.
Comment: Variant summary: SPG7 c.1904C>T (p.Ser635Leu) results in a non-conservative amino acid change located in the Peptidase M41 domain (IPR000642) of the encoded protein sequence. Four of five in-silico tools predict a damaging effect of the variant on protein function. The variant was absent in 245664 control chromosomes (gnomAD). c.1904C>T has been reported in the literature in multiple compound heterozygous and homozygous individuals affected with Hereditary Spastic Paraplegia and cerebellar ataxia (e.g. Elleuch_2006, Hewamadduma_2018, Sun_2019, Mao_2020) and was shown to segregate with disease in at least one family (Mao_2020). These data indicate that the variant is very likely to be associated with disease. To our knowledge, no experimental evidence demonstrating an impact on protein function has been reported. Three ClinVar submitters (evaluation after 2014) cite the variant as uncertain significance and one ClinVar submitter (evaluation after 2014) cites it as likely pathogenic. Based on the evidence outlined above, the variant was classified as pathogenic.

Kariminejad - Najmabadi Pathology & Genetics Center
Classification: Uncertain significance. Last evaluated: 2021-07-10. Review status: criteria provided, single submitter. Criteria: ACMG Guidelines, 2015. Collection method: clinical testing. Allele origin: germline.

Athena Diagnostics
Classification: Uncertain significance. Last evaluated: 2019-05-22. Review status: criteria provided, single submitter. Criteria: Athena Diagnostics Criteria. Collection method: clinical testing. Allele origin: germline.

Genetic Services Laboratory, University of Chicago
Classification: Likely pathogenic for Spastic paraplegia 7, autosomal recessive. Last evaluated: 2015-10-07. Review status: criteria provided, single submitter. Criteria: ACMG Guidelines, 2015. Collection method: clinical testing. Allele origin: germline. Affected: yes.

Juno Genomics, Hangzhou Juno Genomics, Inc
Classification: Likely pathogenic for Hereditary spastic paraplegia 7. Review status: criteria provided, single submitter. Criteria: ACMG Guidelines, 2015. Collection method: clinical testing. Allele origin: germline.
Comment: Absent from controls (or at extremely low frequency if recessive) in Genome Aggregation Database.;For recessive disorders, detected in trans with a pathogenic variant.;Patient's phenotype or family history is highly specific for a disease with a single genetic etiology.;Co-segregation with disease in multiple affected family members.

Literature cited by the submitters: PubMed 30533525 (cited by 4 submitters); PubMed 29915382 (cited by 3 submitters); PubMed 16534102 (cited by 4 submitters); PubMed 38374194 (cited by Victorian Clinical Genetics Services, Murdoch Childrens Research Institute); PubMed 32002796 (cited by 3 submitters); PubMed 31854126 (cited by Victorian Clinical Genetics Services, Murdoch Childrens Research Institute); PubMed 32548275 (cited by Victorian Clinical Genetics Services, Murdoch Childrens Research Institute).